The following is an entry in ClinVar:

NM_001009944.3(PKD1):c.6124_6125del (p.Ala2042fs)

Gene: PKD1 (polycystin 1, transient receptor potential channel interacting; minus strand). Cytogenetic location: 16p13.3.
Variant type: Microsatellite.
Coding change: c.6124_6125del on transcript NM_001009944.3 (MANE Select); coding-DNA positions 6124 to 6125, 2 bases deleted (GC; older notation c.6124_6125delGC).
Protein change: p.Ala2042fs; shifts the reading frame from alanine 2042.
Molecular consequence: frameshift variant.
Genome position (GRCh38, 1-based): chr16:2,109,042-2,109,043, GC deleted on the plus strand (GC on the coding strand, the reverse complement: PKD1 is on the minus strand); deleting any 2 consecutive bases within chr16:2,109,042-2,109,047 gives the same sequence; the c. name uses the placement nearest the transcript's 3' end. VCF-style (leftmost placement, unchanged base first): chr16-2109041-GGC-G. GRCh37 (hg19) VCF-style: chr16-2159042-GGC-G.
Other names: c.6124_6125del, p.Ala2042fs (NM_000296.4); short protein forms A2042fs.
Identifiers: ClinVar variation 3382781 (VCV003382781.2).

ClinVar aggregate classification (germline): Pathogenic (1 of 4 stars; one submission).

Conditions:
Polycystic kidney disease, adult type (PKD1). Also called: POLYCYSTIC KIDNEY DISEASE, ADULT, TYPE I; Polycystic Kidney Disease 1, Autosomal Dominant; Polycystic kidney disease 1; Polycystic kidney disease 1, severe; Polycystic Kidney, Autosomal Dominant; POLYCYSTIC KIDNEY DISEASE 1 WITH OR WITHOUT POLYCYSTIC LIVER DISEASE. Identifiers: MedGen C3149841, MONDO:0008263, OMIM 173900.

Submission:

Juno Genomics, Hangzhou Juno Genomics, Inc
Classification: Pathogenic for Polycystic kidney disease, adult type. Review status: criteria provided, single submitter. Criteria: ACMG Guidelines, 2015. Collection method: clinical testing. Allele origin: germline. Affected: yes.
Comment: Null variant in a gene where loss of function (LOF) is a known mechanism of disease.;Absent from controls (or at extremely low frequency if recessive) in Genome Aggregation Database, Exome Sequencing Project, 1000 Genomes Project, or Exome Aggregation Consortium.;Patient's phenotype or family history is highly specific for a disease with a single genetic etiology.